The following is an entry in ClinVar:

ClinVar aggregate classification (germline): Conflicting classifications of pathogenicity. Review status: criteria provided, conflicting classifications (1 of 4 stars). 3 submissions from 3 submitters: Pathogenic (1); Likely pathogenic (1); Uncertain significance (1). Last evaluated 2025-09-08.

Conditions:
Cardiovascular phenotype. Identifiers: MedGen CN230736.
Hypertrophic cardiomyopathy. Also called: HYPERTROPHIC MYOCARDIOPATHY. Identifiers: Orphanet 217569, MedGen C0007194, MeSH D002312, MONDO:0005045, HP:0001639.

Submissions (3):

Labcorp Genetics (formerly Invitae), Labcorp
Classification: Likely pathogenic for Hypertrophic cardiomyopathy. Last evaluated: 2025-09-08. Review status: criteria provided, single submitter. Criteria: Invitae Variant Classification Sherloc (09022015). Collection method: clinical testing. Allele origin: germline.
Comment: This sequence change replaces valine, which is neutral and non-polar, with methionine, which is neutral and non-polar, at codon 404 of the MYH7 protein (p.Val404Met). This variant is not present in population databases (gnomAD no frequency). This missense change has been observed in individual(s) with hypertrophic cardiomyopathy (PMID: 15358028). ClinVar contains an entry for this variant (Variation ID: 181338). Invitae Evidence Modeling of protein sequence and biophysical properties (such as structural, functional, and spatial information, amino acid conservation, physicochemical variation, residue mobility, and thermodynamic stability) indicates that this missense variant is expected to disrupt MYH7 protein function with a positive predictive value of 95%. This variant disrupts the p.Val404 amino acid residue in MYH7. Other variant(s) that disrupt this residue have been determined to be pathogenic (PMID: 12975413). This suggests that this residue is clinically significant, and that variants that disrupt this residue are likely to be disease-causing. In summary, the currently available evidence indicates that the variant is pathogenic, but additional data are needed to prove that conclusively. Therefore, this variant has been classified as Likely Pathogenic.

Ambry Genetics
Classification: Uncertain significance for Cardiovascular phenotype. Last evaluated: 2024-03-24. Review status: criteria provided, single submitter. Criteria: Ambry Variant Classification Scheme 2023. Collection method: clinical testing. Allele origin: germline.
Comment: The p.V404M variant (also known as c.1210G>A), located in coding exon 11 of the MYH7 gene, results from a G to A substitution at nucleotide position 1210. The valine at codon 404 is replaced by methionine, an amino acid with highly similar properties. This alteration has been reported in a subject with hypertrophic cardiomyopathy (HCM) (Van Driest SL et al. J Am Coll Cardiol, 2004 Aug;44:602-10). This amino acid position is highly conserved in available vertebrate species. In addition, this alteration is predicted to be deleterious by in silico analysis. Based on the available evidence, the clinical significance of this alteration remains unclear.

GeneDx
Classification: Pathogenic. Last evaluated: 2022-09-20. Review status: criteria provided, single submitter. Criteria: GeneDx Variant Classification Process June 2021. Collection method: clinical testing. Allele origin: germline. Affected: yes.
Comment: Identified in patient with MYH7-related disorders in published literature (Van Driest et al., 2004; Mattivi et al., 2020); Not observed at significant frequency in large population cohorts (gnomAD); In silico analysis supports that this missense variant does not alter protein structure/function; This variant is associated with the following publications: (PMID: 15358028, 26659599, 27532257, 29300372, 33065066, 32894683)

Literature cited by the submitters: PubMed 15358028 (cited by Labcorp Genetics (formerly Invitae), Labcorp and Ambry Genetics); PubMed 12975413 (cited by Labcorp Genetics (formerly Invitae), Labcorp).

NM_000257.4(MYH7):c.1210G>A (p.Val404Met)

Gene: MYH7 (myosin heavy chain 7; minus strand). Cytogenetic location: 14q11.2.
Variant type: single nucleotide variant.
Coding change: c.1210G>A on transcript NM_000257.4 (MANE Select); coding-DNA position 1210, G replaced by A.
Protein change: p.Val404Met; replaces valine 404 with methionine.
Molecular consequence: missense variant.
Genome position (GRCh38, 1-based): chr14:23,429,276, C>T on the plus strand (G>A on the coding strand, the complement: MYH7 is on the minus strand). VCF-style: chr14-23429276-C-T. GRCh37 (hg19) VCF-style: chr14-23898485-C-T.
Other names: short protein forms V404M.
Identifiers: ClinVar variation 181338 (VCV000181338.12), dbSNP rs730880867, ClinGen allele CA010379.